The following is an entry in ClinVar:

NM_001164496.2(CFAP44):c.3687G>A (p.Glu1229=)

Genes: CFAP44 (cilia and flagella associated protein 44; minus strand), SPICE1-CFAP44 (SPICE1-CFAP44 readthrough (NMD candidate); minus strand). Cytogenetic location: 3q13.2.
Variant type: single nucleotide variant.
Coding change: c.3687G>A on transcript NM_001164496.2 (MANE Select); coding-DNA position 3687, G replaced by A.
Protein change: p.Glu1229=; no amino-acid change (glutamic acid 1229 retained).
Molecular consequence: synonymous variant. On other transcripts: non-coding transcript variant (6).
Genome position (GRCh38, 1-based): chr3:113,330,597, C>T on the plus strand (G>A on the coding strand, the complement: CFAP44 is on the minus strand). VCF-style: chr3-113330597-C-T. GRCh37 (hg19) VCF-style: chr3-113049444-C-T.
Identifiers: ClinVar variation 2654043 (VCV002654043.24), dbSNP rs2473890594, ClinGen allele CA434931134.

ClinVar aggregate classification (germline): Likely benign (1 of 4 stars; one submission).

Allele frequency attached by ClinVar (database versions not stated): gnomAD exomes below 0.00001.
gnomAD v4.1: 5 of 1,537,144 alleles (0.00033%); highest among the groups gnomAD compares: Non-Finnish European, 0.00044%; no homozygotes.

Submission:

CeGaT Center for Human Genetics Tuebingen
Classification: Likely benign. Last evaluated: 2022-08-01. Review status: criteria provided, single submitter. Criteria: CeGaT Center For Human Genetics Tuebingen Variant Classification Criteria Version 2. Collection method: clinical testing. Allele origin: germline. Affected: yes. Observed: 1 variant allele.
Comment: CFAP44: PM2:Supporting, BP4, BP7